The following is an entry in ClinVar:

NM_144997.7(FLCN):c.1538+12T>G

Gene: FLCN (folliculin; minus strand). Cytogenetic location: 17p11.2.
Variant type: single nucleotide variant.
Coding change: c.1538+12T>G on transcript NM_144997.7 (MANE Select); 12 bases into the intron after coding-DNA position 1538, T replaced by G.
Molecular consequence: intron variant.
Genome position (GRCh38, 1-based): chr17:17,214,973, A>C on the plus strand (T>G on the coding strand, the complement: FLCN is on the minus strand). VCF-style: chr17-17214973-A-C. GRCh37 (hg19) VCF-style: chr17-17118287-A-C.
Other names: c.1538+12T>G (NM_001353231.2, NM_001353230.2); c.1592+12T>G (NM_001353229.2).
Identifiers: ClinVar variation 1974841 (VCV001974841.5), dbSNP rs1597578501, ClinGen allele CA2576185419.
Genomic context (GRCh38, chr17:17,214,973, plus strand): 5'-CCTCTTTTGGAAACAGCTCCAGGTTTTCTCCAGGGTCGCAAGCAAAGGGGCCTCACCCAC[A>C]CTGTTGCTTACTTCATCCACTCCTCCTTGAGGCAGACGAGGCACTGGTCCACCACATCCA-3'

ClinVar aggregate classification (germline): Uncertain significance (1 of 4 stars; one submission).

Conditions:
Birt-Hogg-Dube syndrome. Also called: Birt Hogg Dubé syndrome. Identifiers: Orphanet 122, MedGen C0346010, MONDO:0800444.

Submission:

Labcorp Genetics (formerly Invitae), Labcorp
Classification: Uncertain significance for Birt-Hogg-Dube syndrome. Last evaluated: 2025-12-23. Review status: criteria provided, single submitter. Criteria: Invitae Variant Classification Sherloc (09022015). Collection method: clinical testing. Allele origin: germline.
Comment: This sequence change falls in intron 13 of the FLCN gene. It does not directly change the encoded amino acid sequence of the FLCN protein. This variant is not present in population databases (gnomAD no frequency). This variant has not been reported in the literature in individuals affected with FLCN-related conditions. ClinVar contains an entry for this variant (Variation ID: 1974841). Studies have shown that this variant is associated with inconclusive levels of altered splicing (internal data). In summary, the available evidence is currently insufficient to determine the role of this variant in disease. Therefore, it has been classified as a Variant of Uncertain Significance.